The following is an entry in ClinVar:

ClinVar aggregate classification (germline): Benign/Likely benign. Review status: criteria provided, multiple submitters, no conflicts (2 of 4 stars). 5 submissions from 5 submitters: Benign (3); Likely benign (2). Last evaluated 2026-08-01.

Conditions:
Neuropathy, hereditary motor and sensory, type 6B (HMSN6B). Also called: HMSN VIB; CHARCOT-MARIE-TOOTH DISEASE, TYPE 6B; NEUROPATHY, HEREDITARY MOTOR AND SENSORY, TYPE VIB, WITH OPTIC ATROPHY; Neuropathy, hereditary motor and sensory, type VIB. Identifiers: MedGen C4225302, MONDO:0014671, OMIM 616505.

Allele frequency attached by ClinVar (database versions not stated): 1000 Genomes Project 30x 0.00094; 1000 Genomes Project 0.00120; TOPMed 0.00400; gnomAD 0.00416 and 0.00430; gnomAD exomes 0.00448 and 0.00546; ESP Exome Variant Server 0.00454; ExAC 0.00475.
gnomAD v4.1: 8,533 of 1,605,066 alleles (0.53%); highest among the groups gnomAD compares: Non-Finnish European, 0.6%; 36 homozygotes.

Submissions (12):

CeGaT Center for Human Genetics Tuebingen
Classification: Likely benign. Last evaluated: 2026-08-01. Review status: criteria provided, single submitter. Criteria: CeGaT Center For Human Genetics Tuebingen Variant Classification Criteria Version 2. Collection method: clinical testing. Allele origin: germline. Affected: yes. Observed: 28 variant alleles.
Comment: SLC25A46: BP4, BP7, BS2

Labcorp Genetics (formerly Invitae), Labcorp
Classification: Benign for Neuropathy, hereditary motor and sensory, type 6B. Last evaluated: 2026-01-12. Review status: criteria provided, single submitter. Criteria: Invitae Variant Classification Sherloc (09022015). Collection method: clinical testing. Allele origin: germline.

Mayo Clinic Laboratories, Mayo Clinic
Classification: Benign. Last evaluated: 2023-12-27. Review status: criteria provided, single submitter. Criteria: ACMG Guidelines, 2015. Collection method: clinical testing. Allele origin: germline. Observed: 20 variant alleles.

GeneDx
Classification: Benign. Last evaluated: 2018-08-21. Review status: criteria provided, single submitter. Criteria: GeneDx Variant Classification Process June 2021. Collection method: clinical testing. Allele origin: germline. Affected: yes.

Breakthrough Genomics
Classification: Likely benign. Review status: criteria provided, single submitter. Criteria: ACMG Guidelines, 2015. Collection method: not provided. Allele origin: germline. Inheritance: Autosomal recessive inheritance. Affected: yes.

Dr. Peter K. Rogan Lab, Western University
No classification provided (evidence only). Condition: Lung cancer. Review status: no classification provided. Collection method: in vitro. Allele origin: not applicable. Functional consequence: retained intron. Not counted in ClinVar's aggregate classification.

Dr. Peter K. Rogan Lab, Western University
No classification provided (evidence only). Condition: Colorectal cancer. Review status: no classification provided. Collection method: in vitro. Allele origin: not applicable. Functional consequence: retained intron. Not counted in ClinVar's aggregate classification.

Dr. Peter K. Rogan Lab, Western University
No classification provided (evidence only). Condition: Ovarian serous cystadenocarcinoma. Review status: no classification provided. Collection method: in vitro. Allele origin: not applicable. Functional consequence: retained intron. Not counted in ClinVar's aggregate classification.

Dr. Peter K. Rogan Lab, Western University
No classification provided (evidence only). Condition: Ovarian serous cystadenocarcinoma. Review status: no classification provided. Collection method: in vitro. Allele origin: not applicable. Functional consequence: retained intron. Not counted in ClinVar's aggregate classification.

Dr. Peter K. Rogan Lab, Western University
No classification provided (evidence only). Condition: Adrenocortical carcinoma, hereditary. Review status: no classification provided. Collection method: in vitro. Allele origin: not applicable. Functional consequence: retained intron. Not counted in ClinVar's aggregate classification.

Dr. Peter K. Rogan Lab, Western University
No classification provided (evidence only). Condition: Clear cell carcinoma of kidney. Review status: no classification provided. Collection method: in vitro. Allele origin: not applicable. Functional consequence: retained intron. Not counted in ClinVar's aggregate classification.

Dr. Peter K. Rogan Lab, Western University
No classification provided (evidence only). Condition: Clear cell carcinoma of kidney. Review status: no classification provided. Collection method: in vitro. Allele origin: not applicable. Functional consequence: retained intron. Not counted in ClinVar's aggregate classification.

NM_138773.4(SLC25A46):c.378A>G (p.Gln126=)

Gene: SLC25A46 (solute carrier family 25 member 46; plus strand). Cytogenetic location: 5q22.1.
Variant type: single nucleotide variant.
Coding change: c.378A>G on transcript NM_138773.4 (MANE Select); coding-DNA position 378, A replaced by G.
Protein change: p.Gln126=; no amino-acid change (glutamine 126 retained).
Molecular consequence: synonymous variant. On other transcripts: non-coding transcript variant (1).
Genome position (GRCh38, 1-based): chr5:110,743,781, A>G. VCF-style: chr5-110743781-A-G. GRCh37 (hg19) VCF-style: chr5-110079482-A-G.
Other names: p.Gln126=; c.378A>G, p.Gln126= (NM_001303249.3); c.105A>G, p.Gln35= (NM_001303250.3).
Identifiers: ClinVar variation 475793 (VCV000475793.54), dbSNP rs151055603, ClinGen allele CA3364569.